The following is an entry in ClinVar:

ClinVar aggregate classification (germline): Uncertain significance. Review status: criteria provided, multiple submitters, no conflicts (2 of 4 stars). 3 submissions from 3 submitters: Uncertain significance (3). Last evaluated 2025-05-12.

Conditions:
Global developmental delay - lung cysts - overgrowth - Wilms tumor syndrome. Also called: GLOBAL DEVELOPMENTAL DELAY, LUNG CYSTS, OVERGROWTH, AND WILMS TUMOR; GLOW Syndrome. Identifiers: Orphanet 404476, MedGen C4748924, MONDO:0018445, OMIM 618272.
DICER1-related tumor predisposition. Also called: DICER1-related pleuropulmonary blastoma cancer predisposition syndrome; DICER1 syndrome. Identifiers: Orphanet 284343, MedGen C3839822, MONDO:0100216.
Hereditary cancer-predisposing syndrome. Also called: Hereditary Cancer Syndrome; Neoplastic Syndromes, Hereditary; Hereditary neoplastic syndrome; Tumor predisposition. Identifiers: Orphanet 140162, MedGen C0027672, MeSH D009386, MONDO:0015356.

Submissions (3):

Ambry Genetics
Classification: Uncertain significance for Hereditary cancer-predisposing syndrome. Last evaluated: 2025-05-12. Review status: criteria provided, single submitter. Criteria: Ambry Variant Classification Scheme 2023. Collection method: clinical testing. Allele origin: germline.
Comment: The p.A518S variant (also known as c.1552G>T), located in coding exon 9 of the DICER1 gene, results from a G to T substitution at nucleotide position 1552. The alanine at codon 518 is replaced by serine, an amino acid with similar properties. This amino acid position is highly conserved in available vertebrate species. In addition, the in silico prediction for this alteration is inconclusive. Based on the available evidence, the clinical significance of this variant remains unclear.

Baylor Genetics
Classification: Uncertain significance for Global developmental delay - lung cysts - overgrowth - Wilms tumor syndrome. Last evaluated: 2024-03-11. Review status: criteria provided, single submitter. Criteria: ACMG Guidelines, 2015. Collection method: clinical testing. Allele origin: unknown.

Labcorp Genetics (formerly Invitae), Labcorp
Classification: Uncertain significance for DICER1-related tumor predisposition. Last evaluated: 2023-09-17. Review status: criteria provided, single submitter. Criteria: Invitae Variant Classification Sherloc (09022015). Collection method: clinical testing. Allele origin: germline.
Comment: In summary, the available evidence is currently insufficient to determine the role of this variant in disease. Therefore, it has been classified as a Variant of Uncertain Significance. Advanced modeling of protein sequence and biophysical properties (such as structural, functional, and spatial information, amino acid conservation, physicochemical variation, residue mobility, and thermodynamic stability) performed at Invitae indicates that this missense variant is not expected to disrupt DICER1 protein function. ClinVar contains an entry for this variant (Variation ID: 819514). This variant has not been reported in the literature in individuals affected with DICER1-related conditions. This variant is not present in population databases (gnomAD no frequency). This sequence change replaces alanine, which is neutral and non-polar, with serine, which is neutral and polar, at codon 518 of the DICER1 protein (p.Ala518Ser).

NM_177438.3(DICER1):c.1552G>T (p.Ala518Ser)

Gene: DICER1 (dicer 1, ribonuclease III; minus strand). Cytogenetic location: 14q32.13.
Variant type: single nucleotide variant.
Coding change: c.1552G>T on transcript NM_177438.3 (MANE Select); coding-DNA position 1552, G replaced by T.
Protein change: p.Ala518Ser; replaces alanine 518 with serine.
Molecular consequence: missense variant.
Genome position (GRCh38, 1-based): chr14:95,116,653, C>A on the plus strand (G>T on the coding strand, the complement: DICER1 is on the minus strand). VCF-style: chr14-95116653-C-A. GRCh37 (hg19) VCF-style: chr14-95582990-C-A.
Other names: c.1552G>T, p.Ala518Ser (NM_001195573.1, NM_001271282.3, NM_001291628.2 and 1 more transcripts); short protein forms A518S.
Identifiers: ClinVar variation 819514 (VCV000819514.15), dbSNP rs1595411588, ClinGen allele CA390885092.
Genomic context (GRCh38, chr14:95,116,653, plus strand): 5'-CAAAACGAACCACCAAGTTGCATTTTGGTATATCAACACCCTCTTCTACAATACTTGTTG[C>A]AATAAGCAGGTTGGTCTCATGTGCTCGAAATTTCCTAAGTACCTGAAAAAAAAAATCCAC-3'
Protein context (NP_803187.1, residues 508-528): FRAHETNLLI[Ala518Ser]TSIVEEGVDI